The following is an entry in ClinVar:

ClinVar aggregate classification (germline): Uncertain significance (1 of 4 stars; one submission).

Conditions:
Leber congenital amaurosis 1 (LCA1). Also called: AMAUROSIS CONGENITA OF LEBER I; RETINAL BLINDNESS, CONGENITAL; Congenital absence of the rods and cones; Leber's congenital tapetoretinal degeneration; Leber's congenital tapetoretinal dysplasia. Identifiers: Orphanet 65, MedGen C2931258, MONDO:0008764, OMIM 204000.
Cone-rod dystrophy 6 (CORD6). Also called: RETINAL CONE DYSTROPHY 2; Cone dystrophy progressive. Identifiers: Orphanet 1872, MedGen C1866293, MONDO:0011143, OMIM 601777.

Submission:

Labcorp Genetics (formerly Invitae), Labcorp
Classification: Uncertain significance for Leber congenital amaurosis 1; Cone-rod dystrophy 6. Last evaluated: 2024-06-12. Review status: criteria provided, single submitter. Criteria: Invitae Variant Classification Sherloc (09022015). Collection method: clinical testing. Allele origin: germline.
Comment: This sequence change replaces lysine, which is basic and polar, with threonine, which is neutral and polar, at codon 583 of the GUCY2D protein (p.Lys583Thr). This variant is not present in population databases (gnomAD no frequency). This variant has not been reported in the literature in individuals affected with GUCY2D-related conditions. ClinVar contains an entry for this variant (Variation ID: 2132065). An algorithm developed to predict the effect of missense changes on protein structure and function (PolyPhen-2) suggests that this variant is likely to be tolerated. In summary, the available evidence is currently insufficient to determine the role of this variant in disease. Therefore, it has been classified as a Variant of Uncertain Significance.

NM_000180.4(GUCY2D):c.1748A>C (p.Lys583Thr)

Gene: GUCY2D (guanylate cyclase 2D, retinal; plus strand). Cytogenetic location: 17p13.1.
Variant type: single nucleotide variant.
Coding change: c.1748A>C on transcript NM_000180.4 (MANE Select); coding-DNA position 1748, A replaced by C.
Protein change: p.Lys583Thr; replaces lysine 583 with threonine.
Molecular consequence: missense variant.
Genome position (GRCh38, 1-based): chr17:8,009,585, A>C. VCF-style: chr17-8009585-A-C. GRCh37 (hg19) VCF-style: chr17-7912903-A-C.
Other names: short protein forms K583T.
Identifiers: ClinVar variation 2132065 (VCV002132065.3), dbSNP rs2545422590, ClinGen allele CA397950591.